The following is an entry in ClinVar:

ClinVar aggregate classification (germline): Benign/Likely benign. Review status: criteria provided, multiple submitters, no conflicts (2 of 4 stars). 13 submissions from 13 submitters: Benign (10); Likely benign (1). 2 of the submissions do not count toward it. Last evaluated 2026-01-26.

Conditions:
Majeed syndrome (MJDS). Also called: LPIN2-Related Majeed Syndrome; CHRONIC RECURRENT MULTIFOCAL OSTEOMYELITIS 1, WITH CONGENITAL DYSERYTHROPOIETIC ANEMIA, WITH OR WITHOUT NEUTROPHILIC DERMATOSIS. Identifiers: Orphanet 77297, MedGen C1864997, MONDO:0012316, OMIM 609628.
Autoinflammatory syndrome. Identifiers: Orphanet 93665, MedGen C3890737, MONDO:0019751.

Allele frequency attached by ClinVar (database versions not stated): ESP Exome Variant Server 0.24742; gnomAD 0.26634 and 0.27581; TOPMed 0.27846; gnomAD exomes 0.27991 and 0.31463; ExAC 0.31306; 1000 Genomes Project 30x 0.35462; 1000 Genomes Project 0.36222.
gnomAD v4.1: 451,890 of 1,613,602 alleles (28%); highest among the groups gnomAD compares: East Asian, 59%; 67,687 homozygotes.

Submissions (13):

Labcorp Genetics (formerly Invitae), Labcorp
Classification: Benign for Majeed syndrome. Last evaluated: 2026-01-26. Review status: criteria provided, single submitter. Criteria: Invitae Variant Classification Sherloc (09022015). Collection method: clinical testing. Allele origin: germline.

Women's Health and Genetics/Laboratory Corporation of America, LabCorp
Classification: Benign. Last evaluated: 2026-01-21. Review status: criteria provided, single submitter. Criteria: LabCorp Variant Classification Summary - May 2015. Collection method: clinical testing. Allele origin: germline.

Blueprint Genetics
Classification: Likely benign. Last evaluated: 2024-11-28. Review status: criteria provided, single submitter. Criteria: ACMG Guidelines, 2015. Collection method: clinical testing. Allele origin: germline.

ARUP Laboratories, Molecular Genetics and Genomics, ARUP Laboratories
Classification: Benign for Majeed syndrome. Last evaluated: 2023-11-29. Review status: criteria provided, single submitter. Criteria: ARUP Molecular Germline Variant Investigation Process 2024. Collection method: clinical testing. Allele origin: germline.

Unidad de Genómica Garrahan, Hospital de Pediatría Garrahan
Classification: Benign. Last evaluated: 2023-11-12. Review status: criteria provided, single submitter. Criteria: ACMG Guidelines, 2015. Collection method: clinical testing. Allele origin: germline. Affected: no. Observed: 50 variant alleles.
Comment: This variant is classified as Benign based on local population frequency. This variant was detected in 52% of patients studied by a panel of primary immunodeficiencies. Number of patients: 50. Only high quality variants are reported.

Genome Diagnostics Laboratory, The Hospital for Sick Children
Classification: Benign for Autoinflammatory syndrome. Last evaluated: 2022-01-14. Review status: criteria provided, single submitter. Criteria: ACMG Guidelines, 2015. Collection method: clinical testing. Allele origin: germline. Affected: yes.

Mayo Clinic Laboratories, Mayo Clinic
Classification: Benign. Last evaluated: 2018-04-20. Review status: criteria provided, single submitter. Criteria: ACMG Guidelines, 2015. Collection method: clinical testing. Allele origin: germline. Observed: 483 variant alleles.

Illumina Laboratory Services, Illumina
Classification: Benign for Majeed syndrome. Last evaluated: 2018-03-06. Review status: criteria provided, single submitter. Criteria: ICSL Variant Classification Criteria 13 December 2019. Collection method: clinical testing. Allele origin: germline.
Comment: This variant was observed in the ICSL laboratory as part of a predisposition screen in an ostensibly healthy population. It had not been previously curated by ICSL or reported in the Human Gene Mutation Database (HGMD: prior to June 1st, 2018), and was therefore a candidate for classification through an automated scoring system. Utilizing variant allele frequency, disease prevalence and penetrance estimates, and inheritance mode, an automated score was calculated to assess if this variant is too frequent to cause the disease. Based on the score and internal cut-off values, a variant classified as benign is not then subjected to further curation. The score for this variant resulted in a classification of benign for this disease.

Laboratory for Molecular Medicine, Mass General Brigham Personalized Medicine
Classification: Benign. Last evaluated: 2016-03-29. Review status: criteria provided, single submitter. Criteria: LMM Criteria. Collection method: clinical testing. Allele origin: germline.
Comment: Variant identified in a genome or exome case(s) and assessed due to predicted null impact of the variant or pathogenic assertions in the literature or databases. Disclaimer: This variant has not undergone full assessment. The following are preliminary notes: Frequency

Breakthrough Genomics
Classification: Benign. Review status: criteria provided, single submitter. Criteria: ACMG Guidelines, 2015. Collection method: not provided. Allele origin: germline. Inheritance: Unknown mechanism. Affected: yes.

PreventionGenetics, part of Exact Sciences
Classification: Benign. Review status: criteria provided, single submitter. Criteria: ACMG Guidelines, 2015. Collection method: clinical testing. Allele origin: germline.

Diagnostic Laboratory, Department of Genetics, University Medical Center Groningen
Classification: Benign. Review status: no assertion criteria provided. Collection method: clinical testing. Allele origin: germline. Affected: yes. Study: VKGL Data-share Consensus. Not counted in ClinVar's aggregate classification.

Joint Genome Diagnostic Labs from Nijmegen and Maastricht, Radboudumc and MUMC+
Classification: Benign. Review status: no assertion criteria provided. Collection method: clinical testing. Allele origin: germline. Affected: yes. Study: VKGL Data-share Consensus. Not counted in ClinVar's aggregate classification.

NM_001375808.2(LPIN2):c.*3C>T

Gene: LPIN2 (lipin 2; minus strand). Cytogenetic location: 18p11.31.
Variant type: single nucleotide variant.
Coding change: c.*3C>T on transcript NM_001375808.2 (MANE Select); 3 bases downstream of the stop codon, C replaced by T.
Molecular consequence: 3 prime UTR variant.
Genome position (GRCh38, 1-based): chr18:2,920,290, G>A on the plus strand (C>T on the coding strand, the complement: LPIN2 is on the minus strand). VCF-style: chr18-2920290-G-A. GRCh37 (hg19) VCF-style: chr18-2920288-G-A.
Other names: c.*3C>T (NM_001375809.1, NM_014646.2).
Identifiers: ClinVar variation 260433 (VCV000260433.41), dbSNP rs3745012, ClinGen allele CA8872633.
Genomic context (GRCh38, chr18:2,920,290, plus strand): 5'-CCAGCTGCCTTCCCTTGCTGTGGGGAGGGGGACCAAGCCCTGCCCACCCACTGAGGTGCC[G>A]CCTCAAGACAGGTCATCCAGGTCCACTTCAGGGATCGGGTCTCGCCAGTAGCAGAAGGAG-3'